The following is an entry in ClinVar:

NM_006236.3(POU3F3):c.1043G>T (p.Gly348Val)

Gene: POU3F3 (POU class 3 homeobox 3; plus strand). Cytogenetic location: 2q12.1.
Variant type: single nucleotide variant.
Coding change: c.1043G>T on transcript NM_006236.3 (MANE Select); coding-DNA position 1043, G replaced by T.
Protein change: p.Gly348Val; replaces glycine 348 with valine.
Molecular consequence: missense variant.
Genome position (GRCh38, 1-based): chr2:104,856,553, G>T. VCF-style: chr2-104856553-G-T. GRCh37 (hg19) VCF-style: chr2-105473011-G-T.
Other names: short protein forms G348V.
Identifiers: ClinVar variation 3392943 (VCV003392943.1).

ClinVar aggregate classification (germline): Uncertain significance (1 of 4 stars; one submission).

Submission:

GeneDx
Classification: Uncertain significance. Last evaluated: 2024-06-27. Review status: criteria provided, single submitter. Criteria: GeneDx Variant Classification Process June 2021. Collection method: clinical testing. Allele origin: germline. Affected: yes.
Comment: Not observed at significant frequency in large population cohorts (gnomAD); In silico analysis supports that this missense variant has a deleterious effect on protein structure/function; Has not been previously published as pathogenic or benign to our knowledge